The following is an entry in ClinVar:

NM_001003694.2(BRPF1):c.2659A>C (p.Thr887Pro)

Gene: BRPF1 (bromodomain and PHD finger containing 1; plus strand). Cytogenetic location: 3p25.3.
Variant type: single nucleotide variant.
Coding change: c.2659A>C on transcript NM_001003694.2 (MANE Select); coding-DNA position 2659, A replaced by C.
Protein change: p.Thr887Pro; replaces threonine 887 with proline.
Molecular consequence: missense variant. On other transcripts: non-coding transcript variant (1), intron variant (4).
Genome position (GRCh38, 1-based): chr3:9,744,247, A>C. VCF-style: chr3-9744247-A-C. GRCh37 (hg19) VCF-style: chr3-9785931-A-C.
Other names: c.2638A>C, p.Thr880Pro (NM_001319050.2, NM_001438342.1, NM_001438343.1); c.2656A>C, p.Thr886Pro (NM_001410704.1); c.2641A>C, p.Thr881Pro (NM_001437892.1, NM_004634.3); c.2635+346A>C (NM_001438344.1); c.2632+346A>C (NM_001438345.1); c.2617+346A>C (NM_001319049.2); c.2614+346A>C (NM_001438346.1); short protein forms T880P, T881P, T886P, T887P.
Identifiers: ClinVar variation 4077361 (VCV004077361.1).

ClinVar aggregate classification (germline): Uncertain significance (1 of 4 stars; one submission).

Submission:

GeneDx
Classification: Uncertain significance. Last evaluated: 2025-02-27. Review status: criteria provided, single submitter. Criteria: GeneDx Variant Classification Process June 2021. Collection method: clinical testing. Allele origin: germline. Affected: yes.
Comment: Not observed at significant frequency in large population cohorts (gnomAD); In silico analysis indicates that this missense variant does not alter protein structure/function; Has not been previously published as pathogenic or benign to our knowledge